The following is an entry in ClinVar:

ClinVar aggregate classification (germline): Uncertain significance (1 of 4 stars; one submission).

Conditions:
Tumor predisposition syndrome 3 (TPDS3). Also called: Glioma susceptibility 9; LONG TELOMERE SYNDROME, POT1-RELATED; POT1 Tumor Predisposition; Melanoma, cutaneous malignant, susceptibility to, 10. Identifiers: Orphanet 618, MedGen C4014476, MONDO:0014368, OMIM 615848.

Submission:

Labcorp Genetics (formerly Invitae), Labcorp
Classification: Uncertain significance for Tumor predisposition syndrome 3. Last evaluated: 2022-06-04. Review status: criteria provided, single submitter. Criteria: Invitae Variant Classification Sherloc (09022015). Collection method: clinical testing. Allele origin: germline.
Comment: In summary, the available evidence is currently insufficient to determine the role of this variant in disease. Therefore, it has been classified as a Variant of Uncertain Significance. Experimental studies and prediction algorithms are not available or were not evaluated, and the functional significance of this variant is currently unknown. This variant has not been reported in the literature in individuals affected with POT1-related conditions. This variant results in a copy number gain of the genomic region encompassing exon(s) 17-19 of the POT1 gene. This region includes the termination codon of the gene. This copy number gain extends beyond the assayed region for this gene and therefore may encompass additional genes. As the precise location of this event is unknown, it may be in tandem or it may be located elsewhere in the genome.

NC_000007.14:g.(?_124823962)_(124827315_?)dup

Gene: POT1 (protection of telomeres 1; minus strand). Cytogenetic location: 7q31.33.
Variant type: Duplication.
Identifiers: ClinVar variation 830963 (VCV000830963.7).